The following is an entry in ClinVar:

NM_000891.3(KCNJ2):c.1025C>G (p.Ser342Cys)

Gene: KCNJ2 (potassium inwardly rectifying channel subfamily J member 2; plus strand). Cytogenetic location: 17q24.3.
Variant type: single nucleotide variant.
Coding change: c.1025C>G on transcript NM_000891.3 (MANE Select); coding-DNA position 1025, C replaced by G.
Protein change: p.Ser342Cys; replaces serine 342 with cysteine.
Molecular consequence: missense variant.
Genome position (GRCh38, 1-based): chr17:70,176,064, C>G. VCF-style: chr17-70176064-C-G. GRCh37 (hg19) VCF-style: chr17-68172205-C-G.
Other names: short protein forms S342C.
Identifiers: ClinVar variation 3753325 (VCV003753325.2).

ClinVar aggregate classification (germline): Uncertain significance. Review status: criteria provided, multiple submitters, no conflicts (2 of 4 stars). 2 submissions from 2 submitters: Uncertain significance (2). Last evaluated 2026-03-15.

Conditions:
Cardiovascular phenotype. Identifiers: MedGen CN230736.
Andersen Tawil syndrome (LQT7). Also called: Potassium-sensitive periodic paralysis, ventricular ectopy, and dysmorphic features; ANDERSEN CARDIODYSRHYTHMIC PERIODIC PARALYSIS; LONG QT SYNDROME 7; PERIODIC PARALYSIS, POTASSIUM-SENSITIVE CARDIODYSRHYTHMIC TYPE; Andersen Syndrome. Identifiers: Orphanet 37553, MedGen C1563715, MONDO:0008222, OMIM 170390.
Short QT syndrome type 3. Identifiers: Orphanet 51083, MedGen C1865018, MONDO:0012314, OMIM 609622.

gnomAD v4.1: 3 of 1,613,998 alleles (0.00019%); highest among the groups gnomAD compares: Non-Finnish European, 0.00025%; no homozygotes.

Submissions (2):

Ambry Genetics
Classification: Uncertain significance for Cardiovascular phenotype. Last evaluated: 2026-03-15. Review status: criteria provided, single submitter. Criteria: Ambry Variant Classification Scheme 2023. Collection method: clinical testing. Allele origin: germline.
Comment: The p.S342C variant (also known as c.1025C>G), located in coding exon 1 of the KCNJ2 gene, results from a C to G substitution at nucleotide position 1025. The serine at codon 342 is replaced by cysteine, an amino acid with dissimilar properties. This amino acid position is conserved. In addition, this alteration is predicted to be deleterious by in silico analysis. Based on the available evidence, the clinical significance of this variant remains unclear.

Labcorp Genetics (formerly Invitae), Labcorp
Classification: Uncertain significance for Short QT syndrome type 3; Andersen Tawil syndrome. Last evaluated: 2024-10-15. Review status: criteria provided, single submitter. Criteria: Invitae Variant Classification Sherloc (09022015). Collection method: clinical testing. Allele origin: germline.
Comment: This sequence change replaces serine, which is neutral and polar, with cysteine, which is neutral and slightly polar, at codon 342 of the KCNJ2 protein (p.Ser342Cys). This variant is present in population databases (no rsID available, gnomAD 0.0009%). This variant has not been reported in the literature in individuals affected with KCNJ2-related conditions. Invitae Evidence Modeling of protein sequence and biophysical properties (such as structural, functional, and spatial information, amino acid conservation, physicochemical variation, residue mobility, and thermodynamic stability) has been performed for this missense variant. However, the output from this modeling did not meet the statistical confidence thresholds required to predict the impact of this variant on KCNJ2 protein function. In summary, the available evidence is currently insufficient to determine the role of this variant in disease. Therefore, it has been classified as a Variant of Uncertain Significance.